The following is an entry in ClinVar:

ClinVar aggregate classification (germline): Likely pathogenic (1 of 4 stars; one submission).

Conditions:
Charcot-Marie-Tooth disease type 2. Also called: Charcot-Marie-Tooth type 2. Identifiers: Orphanet 64746, MedGen C0270914, MONDO:0018993.

Allele frequency attached by ClinVar (database versions not stated): gnomAD exomes below 0.00001.

Submission:

Labcorp Genetics (formerly Invitae), Labcorp
Classification: Likely pathogenic for Charcot-Marie-Tooth disease type 2. Last evaluated: 2024-11-04. Review status: criteria provided, single submitter. Criteria: Invitae Variant Classification Sherloc (09022015). Collection method: clinical testing. Allele origin: germline.
Comment: This sequence change replaces serine, which is neutral and polar, with asparagine, which is neutral and polar, at codon 106 of the MFN2 protein (p.Ser106Asn). This variant is not present in population databases (gnomAD no frequency). This variant has not been reported in the literature in individuals affected with MFN2-related conditions. ClinVar contains an entry for this variant (Variation ID: 2754212). Invitae Evidence Modeling of protein sequence and biophysical properties (such as structural, functional, and spatial information, amino acid conservation, physicochemical variation, residue mobility, and thermodynamic stability) indicates that this missense variant is expected to disrupt MFN2 protein function with a positive predictive value of 95%. This variant disrupts the p.Ser106 amino acid residue in MFN2. Other variant(s) that disrupt this residue have been determined to be pathogenic (PMID: 28286897; internal data). This suggests that this residue is clinically significant, and that variants that disrupt this residue are likely to be disease-causing. In summary, the currently available evidence indicates that the variant is pathogenic, but additional data are needed to prove that conclusively. Therefore, this variant has been classified as Likely Pathogenic.

Literature cited by the submitters: PubMed 28286897.

NM_014874.4(MFN2):c.317G>A (p.Ser106Asn)

Gene: MFN2 (mitofusin 2; plus strand). Cytogenetic location: 1p36.22.
Variant type: single nucleotide variant.
Coding change: c.317G>A on transcript NM_014874.4 (MANE Select); coding-DNA position 317, G replaced by A.
Protein change: p.Ser106Asn; replaces serine 106 with asparagine.
Molecular consequence: missense variant.
Genome position (GRCh38, 1-based): chr1:11,996,161, G>A. VCF-style: chr1-11996161-G-A. GRCh37 (hg19) VCF-style: chr1-12056218-G-A.
Other names: c.317G>A, p.Ser106Asn (NM_001127660.2); short protein forms S106N.
Identifiers: ClinVar variation 2754212 (VCV002754212.3), dbSNP rs2523010293, ClinGen allele CA338433847.
Genomic context (GRCh38, chr1:11,996,161, plus strand): 5'-AAGTAATTCAGGTCAGATACTGGTGGCTTTGCTGACAGCTGTTACTTCCTTCTAGGACGA[G>A]CAATGGGAAGAGCACCGTGATCAATGCCATGCTCTGGGACAAAGTTCTGCCCTCTGGGAT-3'
Protein context (NP_055689.1, residues 96-116): HMKVAFFGRT[Ser106Asn]NGKSTVINAM